The following is an entry in ClinVar:

ClinVar aggregate classification (germline): Uncertain significance (1 of 4 stars; one submission).

Conditions:
PCNT-related disorder. Also called: PCNT-related condition.

gnomAD v4.1: 4 of 1,614,134 alleles (0.00025%); highest among the groups gnomAD compares: Non-Finnish European, 0.00025%; no homozygotes.

Submission:

PreventionGenetics, part of Exact Sciences
Classification: Uncertain significance for PCNT-related condition. Last evaluated: 2025-03-26. Review status: criteria provided, single submitter. Criteria: ACMG Guidelines, 2015. Collection method: clinical testing. Allele origin: germline.
Comment: The PCNT c.4958G>A variant is predicted to result in the amino acid substitution p.Ser1653Asn. To our knowledge, this variant has not been reported in the literature or in a large population database, indicating this variant is rare. At this time, the clinical significance of this variant is uncertain due to the absence of conclusive functional and genetic evidence.

NM_006031.6(PCNT):c.4958G>A (p.Ser1653Asn)

Gene: PCNT (pericentrin; plus strand). Cytogenetic location: 21q22.3.
Variant type: single nucleotide variant.
Coding change: c.4958G>A on transcript NM_006031.6 (MANE Select); coding-DNA position 4958, G replaced by A.
Protein change: p.Ser1653Asn; replaces serine 1653 with asparagine.
Molecular consequence: missense variant.
Genome position (GRCh38, 1-based): chr21:46,401,717, G>A. VCF-style: chr21-46401717-G-A. GRCh37 (hg19) VCF-style: chr21-47821631-G-A.
Other names: c.4604G>A, p.Ser1535Asn (NM_001315529.2); short protein forms S1653N, S1535N.
Identifiers: ClinVar variation 4983107 (VCV004983107.1).